The following is an entry in ClinVar:

ClinVar aggregate classification (germline): Uncertain significance (1 of 4 stars; one submission).

Allele frequency attached by ClinVar (database versions not stated): gnomAD 0.00003; ExAC 0.00004; gnomAD exomes 0.00004 and 0.00005; TOPMed 0.00004.
gnomAD v4.1: 57 of 1,604,594 alleles (0.0036%); highest among the groups gnomAD compares: Non-Finnish European, 0.0047%; no homozygotes.

Submission:

Labcorp Genetics (formerly Invitae), Labcorp
Classification: Uncertain significance. Last evaluated: 2022-10-17. Review status: criteria provided, single submitter. Criteria: Invitae Variant Classification Sherloc (09022015). Collection method: clinical testing. Allele origin: germline.
Comment: In summary, the available evidence is currently insufficient to determine the role of this variant in disease. Therefore, it has been classified as a Variant of Uncertain Significance. Variants that disrupt the consensus splice site are a relatively common cause of aberrant splicing (PMID: 17576681, 9536098). Algorithms developed to predict the effect of sequence changes on RNA splicing suggest that this variant is not likely to affect RNA splicing. ClinVar contains an entry for this variant (Variation ID: 1447171). This variant has not been reported in the literature in individuals affected with LAMA5-related conditions. This variant is present in population databases (rs762804039, gnomAD 0.01%). This sequence change falls in intron 67 of the LAMA5 gene. It does not directly change the encoded amino acid sequence of the LAMA5 protein. It affects a nucleotide within the consensus splice site.

Literature cited by the submitters: PubMed 17576681; PubMed 9536098.

NM_005560.6(LAMA5):c.9227+5G>A

Gene: LAMA5 (laminin subunit alpha 5; minus strand). Cytogenetic location: 20q13.33.
Variant type: single nucleotide variant.
Coding change: c.9227+5G>A on transcript NM_005560.6 (MANE Select); 5 bases into the intron after coding-DNA position 9227, G replaced by A.
Molecular consequence: intron variant.
Genome position (GRCh38, 1-based): chr20:62,312,627, C>T on the plus strand (G>A on the coding strand, the complement: LAMA5 is on the minus strand). VCF-style: chr20-62312627-C-T. GRCh37 (hg19) VCF-style: chr20-60887683-C-T.
Identifiers: ClinVar variation 1447171 (VCV001447171.6), dbSNP rs762804039, ClinGen allele CA9940378.